The following is an entry in ClinVar:

ClinVar aggregate classification (germline): Likely benign. Review status: criteria provided, single submitter (1 of 4 stars). 2 submissions from 2 submitters: Likely benign (1). 1 of the submissions does not count toward it. Last evaluated 2025-05-05.

Conditions:
MYO5B-related disorder. Also called: MYO5B-related condition.

Allele frequency attached by ClinVar (database versions not stated): ExAC 0.00001; gnomAD exomes 0.00001 and 0.00011; gnomAD 0.00005; TOPMed 0.00005.
gnomAD v4.1: 170 of 1,613,616 alleles (0.011%); highest among the groups gnomAD compares: Non-Finnish European, 0.014%; 1 homozygote.

Submissions (2):

Labcorp Genetics (formerly Invitae), Labcorp
Classification: Likely benign. Last evaluated: 2025-05-05. Review status: criteria provided, single submitter. Criteria: Invitae Variant Classification Sherloc (09022015). Collection method: clinical testing. Allele origin: germline.

PreventionGenetics, part of Exact Sciences
Classification: Likely benign for MYO5B-related condition. Last evaluated: 2022-09-14. Review status: no assertion criteria provided. Collection method: clinical testing. Allele origin: germline. Not counted in ClinVar's aggregate classification.
Comment: This variant is classified as likely benign based on ACMG/AMP sequence variant interpretation guidelines (Richards et al. 2015 PMID: 25741868, with internal and published modifications).

NM_001080467.3(MYO5B):c.310+9G>A

Gene: MYO5B (myosin VB; minus strand). Cytogenetic location: 18q21.1.
Variant type: single nucleotide variant.
Coding change: c.310+9G>A on transcript NM_001080467.3 (MANE Select); 9 bases into the intron after coding-DNA position 310, G replaced by A.
Molecular consequence: intron variant.
Genome position (GRCh38, 1-based): chr18:50,040,134, C>T on the plus strand (G>A on the coding strand, the complement: MYO5B is on the minus strand). VCF-style: chr18-50040134-C-T. GRCh37 (hg19) VCF-style: chr18-47566504-C-T.
Other names: c.310+9G>A (NM_001080467.2).
Identifiers: ClinVar variation 1585425 (VCV001585425.10), dbSNP rs773988902, ClinGen allele CA8961926.
Genomic context (GRCh38, chr18:50,040,134, plus strand): 5'-TGAGTTGAGCAAGTCTAAAGCTGGTAAGCACTTTCCAACGCATGCAGCCAACAGATGCCC[C>T]CCACTTACCACAGTAAGTGTAGATATGGTTGGACTCCAGGAAACGGACCTTCAAATTATG-3'